The following is an entry in ClinVar:

ClinVar aggregate classification (germline): Pathogenic (1 of 4 stars; one submission).

Submission:

ISCA site 4
Classification: Pathogenic. Last evaluated: 2011-08-12. Review status: criteria provided, single submitter. Criteria: Kaminsky et al. (Genet Med. 2011). Collection method: clinical testing. Allele origin: unknown. Affected: yes. Observed: 1 variant allele.
Comment: Copy number variation identified through the course of routine clinical cytogenomic testing in postnatal populations. Clinical assertions have been curated as described in Kaminsky et al. 2011.

GRCh38/hg38 4q28.2-31.21(chr4:128119872-142431375)x1

Genes: C4orf33 (chromosome 4 open reading frame 33; plus strand), CLGN (calmegin; minus strand), ELF2 (E74 like ETS transcription factor 2; minus strand), ELMOD2 (ELMO domain containing 2; plus strand), IL15 (interleukin 15; plus strand) and 185 more. Cytogenetic location: 4q28.2-31.21.
Variant type: copy number loss.
Change: copy number 1 (one copy instead of two) of chr4:128,119,872-142,431,375 (14.31 Mb, GRCh38 coordinates, 1-based), cytogenetic band 4q28.2-31.21.
Identifiers: ClinVar variation 57367 (VCV000057367.1).